The following is an entry in ClinVar:

ClinVar aggregate classification (germline): Likely pathogenic (1 of 4 stars; one submission).

Conditions:
Isovaleryl-CoA dehydrogenase deficiency (IVA). Also called: ISOVALERIC ACID CoA DEHYDROGENASE DEFICIENCY; Isovaleric acidemia; Classic Isovaleric Acidemia; IVD DEFICIENCY. Identifiers: Orphanet 33, MedGen C0268575, MONDO:0009475, OMIM 243500.

Submission:

Natera, Inc.
Classification: Likely pathogenic for Isovaleryl-coa dehydrogenase deficiency. Last evaluated: 2024-11-27. Review status: criteria provided, single submitter. Criteria: Natera Variant Classification Schema (03/2026). Collection method: clinical testing. Allele origin: germline.
Comment: The c.65del variant in IVD is a frameshift variant predicted to shift the reading frame beginning at codon 22 and leads to a stop codon 24 codons downstream. This variant is expected to result in nonsense mediated decay, truncation, or a dysfunctional protein product. This variant is rare in the general population with a frequency below the threshold expected for the associated phenotype(s). Given the available evidence, this variant is classified as Likely Pathogenic.

NM_002225.5(IVD):c.56del (p.Pro19fs)

Gene: IVD (isovaleryl-CoA dehydrogenase; plus strand). Cytogenetic location: 15q15.1.
Variant type: Deletion.
Coding change: c.56del on transcript NM_002225.5 (MANE Select); coding-DNA position 56, one base deleted (C; older notation c.56delC).
Protein change: p.Pro19fs; shifts the reading frame from proline 19.
Molecular consequence: frameshift variant. On other transcripts: 5 prime UTR variant (1), non-coding transcript variant (1).
Genome position (GRCh38, 1-based): chr15:40,405,883, C deleted; the last of 2 consecutive C bases (chr15:40,405,882-40,405,883); deleting either gives the same sequence. VCF-style (leftmost placement, unchanged base first): chr15-40405881-GC-G. GRCh37 (hg19) VCF-style: chr15-40698082-GC-G.
Other names: c.56del, p.Pro19fs (NM_001159508.3, NM_001354598.3, NM_001354599.3 and 2 more transcripts); c.-372del (NM_001354597.3); short protein forms P19fs.
Identifiers: ClinVar variation 4815004 (VCV004815004.1).
Genomic context (GRCh38, chr15:40,405,881, plus strand): 5'-GGCAGAGATGGCGACTGCGACTCGGCTGCTGGGGTGGCGTGTGGCGAGCTGGAGGCTGCG[GC>G]CGCCGCTTGCCGGCTTCGTTTCCCAGCGGGCCCACTCGCTTTTGCCCGTGGACGATGCAA-3'